The following is an entry in ClinVar:

ClinVar aggregate classification (germline): Uncertain significance (1 of 4 stars; one submission).

Conditions:
Cardiovascular phenotype. Identifiers: MedGen CN230736.

Allele frequency attached by ClinVar (database versions not stated): gnomAD exomes below 0.00001; TOPMed below 0.00001; gnomAD 0.00001.
gnomAD v4.1: 2 of 1,608,786 alleles (0.00012%); highest among the groups gnomAD compares: African/African-American, 0.0013%; no homozygotes.

Submission:

Ambry Genetics
Classification: Uncertain significance for Cardiovascular phenotype. Last evaluated: 2019-04-12. Review status: criteria provided, single submitter. Criteria: Ambry Variant Classification Scheme 2023. Collection method: clinical testing. Allele origin: germline.
Comment: The p.K1425E variant (also known as c.4273A>G), located in coding exon 24 of the SCN10A gene, results from an A to G substitution at nucleotide position 4273. The lysine at codon 1425 is replaced by glutamic acid, an amino acid with similar properties. This amino acid position is highly conserved in available vertebrate species. In addition, this alteration is predicted to be deleterious by in silico analysis. Since supporting evidence is limited at this time, the clinical significance of this alteration remains unclear.

NM_006514.4(SCN10A):c.4273A>G (p.Lys1425Glu)

Gene: SCN10A (sodium voltage-gated channel alpha subunit 10; minus strand). Cytogenetic location: 3p22.2.
Variant type: single nucleotide variant.
Coding change: c.4273A>G on transcript NM_006514.4 (MANE Select); coding-DNA position 4273, A replaced by G.
Protein change: p.Lys1425Glu; replaces lysine 1425 with glutamic acid.
Molecular consequence: missense variant.
Genome position (GRCh38, 1-based): chr3:38,709,486, T>C on the plus strand (A>G on the coding strand, the complement: SCN10A is on the minus strand). VCF-style: chr3-38709486-T-C. GRCh37 (hg19) VCF-style: chr3-38750977-T-C.
Other names: c.4270A>G, p.Lys1424Glu (NM_001293306.2); c.3979A>G, p.Lys1327Glu (NM_001293307.2); short protein forms K1327E, K1425E, K1424E.
Identifiers: ClinVar variation 1739272 (VCV001739272.2), dbSNP rs2063247996, ClinGen allele CA352149551.